The following is an entry in ClinVar:

ClinVar aggregate classification (germline): Uncertain significance. Review status: criteria provided, multiple submitters, no conflicts (2 of 4 stars). 2 submissions from 2 submitters: Uncertain significance (2). Last evaluated 2024-03-18.

Conditions:
Oligodontia-cancer predisposition syndrome. Also called: TOOTH AGENESIS-COLORECTAL CANCER SYNDROME. Identifiers: Orphanet 300576, MedGen C1837750, MONDO:0012075, OMIM 608615. Disease mechanism: loss of function.
Hereditary cancer-predisposing syndrome. Also called: Neoplastic Syndromes, Hereditary; Tumor predisposition; Hereditary Cancer Syndrome; Hereditary neoplastic syndrome. Identifiers: Orphanet 140162, MedGen C0027672, MeSH D009386, MONDO:0015356.

Submissions (2):

Labcorp Genetics (formerly Invitae), Labcorp
Classification: Uncertain significance for Oligodontia-cancer predisposition syndrome. Last evaluated: 2024-03-18. Review status: criteria provided, single submitter. Criteria: Invitae Variant Classification Sherloc (09022015). Collection method: clinical testing. Allele origin: germline.
Comment: This sequence change replaces arginine, which is basic and polar, with serine, which is neutral and polar, at codon 702 of the AXIN2 protein (p.Arg702Ser). This variant is not present in population databases (gnomAD no frequency). This variant has not been reported in the literature in individuals affected with AXIN2-related conditions. ClinVar contains an entry for this variant (Variation ID: 464595). Advanced modeling of protein sequence and biophysical properties (such as structural, functional, and spatial information, amino acid conservation, physicochemical variation, residue mobility, and thermodynamic stability) performed at Invitae indicates that this missense variant is expected to disrupt AXIN2 protein function with a positive predictive value of 80%. In summary, the available evidence is currently insufficient to determine the role of this variant in disease. Therefore, it has been classified as a Variant of Uncertain Significance.

Ambry Genetics
Classification: Uncertain significance for Hereditary cancer-predisposing syndrome. Last evaluated: 2021-10-14. Review status: criteria provided, single submitter. Criteria: Ambry Variant Classification Scheme 2023. Collection method: clinical testing. Allele origin: germline.
Comment: The p.R702S variant (also known as c.2104C>A), located in coding exon 7 of the AXIN2 gene, results from a C to A substitution at nucleotide position 2104. The arginine at codon 702 is replaced by serine, an amino acid with dissimilar properties. This amino acid position is conserved. In addition, this alteration is predicted to be deleterious by in silico analysis. Since supporting evidence is limited at this time, the clinical significance of this alteration remains unclear.

NM_004655.4(AXIN2):c.2104C>A (p.Arg702Ser)

Gene: AXIN2 (axin 2; minus strand). Cytogenetic location: 17q24.1.
Variant type: single nucleotide variant.
Coding change: c.2104C>A on transcript NM_004655.4 (MANE Select); coding-DNA position 2104, C replaced by A.
Protein change: p.Arg702Ser; replaces arginine 702 with serine.
Molecular consequence: missense variant.
Genome position (GRCh38, 1-based): chr17:65,536,357, G>T on the plus strand (C>A on the coding strand, the complement: AXIN2 is on the minus strand). VCF-style: chr17-65536357-G-T. GRCh37 (hg19) VCF-style: chr17-63532475-G-T.
Other names: c.2104C>A (LRG_296t1); c.1909C>A, p.Arg637Ser (NM_001363813.1); short protein forms R702S, R637S.
Identifiers: ClinVar variation 464595 (VCV000464595.12), dbSNP rs1244431726, ClinGen allele CA400675979.